The following is an entry in ClinVar:

NM_003383.5(VLDLR):c.82G>A (p.Gly28Arg)

Genes: VLDLR (very low density lipoprotein receptor; plus strand), VLDLR-AS1 (VLDLR antisense RNA 1; minus strand), LOC130001468 (ATAC-STARR-seq lymphoblastoid silent region 19733; plus strand). Cytogenetic location: 9p24.2.
Variant type: single nucleotide variant.
Coding change: c.82G>A on transcript NM_003383.5 (MANE Select); coding-DNA position 82, G replaced by A.
Protein change: p.Gly28Arg; replaces glycine 28 with arginine.
Molecular consequence: missense variant. On other transcripts: non-coding transcript variant (1).
Genome position (GRCh38, 1-based): chr9:2,622,271, G>A. VCF-style: chr9-2622271-G-A. GRCh37 (hg19) VCF-style: chr9-2622271-G-A.
Other names: c.82G>A, p.Gly28Arg (NM_001018056.3, NM_001322225.2, NM_001322226.2); short protein forms G28R.
Identifiers: ClinVar variation 423718 (VCV000423718.2), dbSNP rs1064796597, ClinGen allele CA16618845.

ClinVar aggregate classification (germline): Uncertain significance (1 of 4 stars; one submission).

Allele frequency attached by ClinVar (database versions not stated): TOPMed 0.00001; gnomAD exomes 0.00002.
gnomAD v4.1: 27 of 1,485,716 alleles (0.0018%); highest among the groups gnomAD compares: Admixed American, 0.0044%; no homozygotes.

Submission:

GeneDx
Classification: Uncertain significance. Last evaluated: 2017-02-23. Review status: criteria provided, single submitter. Criteria: GeneDx Variant Classification (06012015). Collection method: clinical testing. Allele origin: germline. Affected: yes.
Comment: A variant of uncertain significance has been identified in the VLDLR gene. The G28R variant has not been published as a pathogenic variant, nor has it been reported as a benign variant to our knowledge. The G28R variant is not observed at a significant frequency in large population cohorts (Lek et al., 2016; 1000 Genomes Consortium et al., 2015; Exome Variant Server). The G28R variant is a non-conservative amino acid substitution, which is likely to impact secondary protein structure as these residues differ in polarity, charge, size and/or other properties. This substitution occurs at a position that is conserved in mammals. However, in silico analysis is inconsistent in its predictions as to whether or not the variant is damaging to the protein structure/function. Therefore, based on the currently available information, it is unclear whether this variant is a pathogenic variant or a rare benign variant.